The following is an entry in ClinVar:

NM_001367561.1(DOCK7):c.281G>A (p.Arg94Gln)

Gene: DOCK7 (dedicator of cytokinesis 7; minus strand). Cytogenetic location: 1p31.3.
Variant type: single nucleotide variant.
Coding change: c.281G>A on transcript NM_001367561.1 (MANE Select); coding-DNA position 281, G replaced by A.
Protein change: p.Arg94Gln; replaces arginine 94 with glutamine.
Molecular consequence: missense variant.
Genome position (GRCh38, 1-based): chr1:62,654,023, C>T on the plus strand (G>A on the coding strand, the complement: DOCK7 is on the minus strand). VCF-style: chr1-62654023-C-T. GRCh37 (hg19) VCF-style: chr1-63119694-C-T.
Other names: c.281G>A, p.Arg94Gln (NM_001271999.2, NM_001272000.2, NM_001272001.2 and 3 more transcripts); short protein forms R94Q.
Identifiers: ClinVar variation 728309 (VCV000728309.14), dbSNP rs570514826, ClinGen allele CA887233.

ClinVar aggregate classification (germline): Benign/Likely benign. Review status: criteria provided, multiple submitters, no conflicts (2 of 4 stars). 5 submissions from 5 submitters: Benign (3); Likely benign (2). Last evaluated 2026-09-01.

Conditions:
Developmental and epileptic encephalopathy, 23 (DEE23). Also called: Epileptic encephalopathy, early infantile, 23. Identifiers: Orphanet 411986, MedGen C4014492, MONDO:0014371, OMIM 615859.

Allele frequency attached by ClinVar (database versions not stated): gnomAD 0.00001 and 0.00049; TOPMed 0.00011; gnomAD exomes 0.00084 and 0.00162; ExAC 0.00172; 1000 Genomes Project 30x 0.00265; 1000 Genomes Project 0.00319.
gnomAD v4.1: 1,304 of 1,613,782 alleles (0.081%); highest among the groups gnomAD compares: South Asian, 1.3%; 16 homozygotes.

Submissions (5):

CeGaT Center for Human Genetics Tuebingen
Classification: Benign. Last evaluated: 2026-09-01. Review status: criteria provided, single submitter. Criteria: CeGaT Center For Human Genetics Tuebingen Variant Classification Criteria Version 2. Collection method: clinical testing. Allele origin: germline. Affected: yes. Observed: 1 variant allele.
Comment: DOCK7: BS1, BS2

Labcorp Genetics (formerly Invitae), Labcorp
Classification: Benign for Developmental and epileptic encephalopathy, 23. Last evaluated: 2025-12-30. Review status: criteria provided, single submitter. Criteria: Invitae Variant Classification Sherloc (09022015). Collection method: clinical testing. Allele origin: germline.

Genome-Nilou Lab
Classification: Likely benign for Developmental and epileptic encephalopathy, 23. Last evaluated: 2023-04-11. Review status: criteria provided, single submitter. Criteria: ACMG Guidelines, 2015. Collection method: clinical testing. Allele origin: germline. Affected: no.

GeneDx
Classification: Likely benign. Last evaluated: 2023-03-10. Review status: criteria provided, single submitter. Criteria: GeneDx Variant Classification Process June 2021. Collection method: clinical testing. Allele origin: germline. Affected: yes.
Comment: See Variant Classification Assertion Criteria.

Athena Diagnostics
Classification: Benign. Last evaluated: 2018-09-18. Review status: criteria provided, single submitter. Criteria: Athena Diagnostics Criteria. Collection method: clinical testing. Allele origin: germline.